The following is an entry in ClinVar:

NM_014795.4(ZEB2):c.2973del (p.Lys992fs)

Gene: ZEB2 (zinc finger E-box binding homeobox 2; minus strand). Cytogenetic location: 2q22.3.
Variant type: Deletion.
Coding change: c.2973del on transcript NM_014795.4 (MANE Select); coding-DNA position 2973, one base deleted (C; older notation c.2973delC).
Protein change: p.Lys992fs; shifts the reading frame from lysine 992.
Molecular consequence: frameshift variant.
Genome position (GRCh38, 1-based): chr2:144,396,506, G deleted on the plus strand (C on the coding strand, the reverse complement: ZEB2 is on the minus strand). VCF-style (leftmost placement, unchanged base first): chr2-144396505-TG-T. GRCh37 (hg19) VCF-style: chr2-145154072-TG-T.
Other names: c.2901del, p.Lys968fs (NM_001171653.2); short protein forms K968fs, K992fs.
Identifiers: ClinVar variation 982817 (VCV000982817.2), dbSNP rs1703231315, ClinGen allele CA1139655624.
Genomic context (GRCh38, chr2:144,396,505, plus strand): 5'-TGCTTTTCTGGAATGTCTTGTCACATAAGTCACATGCATACATGCCACTCTCTGTCTTCT[TG>T]ATCTTTTTGCGAGACAGACAGGAGTCGGAGTCTGTCATATCATCTAGGCCTGACATGTAG-3'

ClinVar aggregate classification (germline): Likely pathogenic (1 of 4 stars; one submission).

Conditions:
Mowat-Wilson syndrome (MOWS). Also called: Classic Mowat-Wilson Syndrome. Identifiers: Orphanet 2152, MedGen C1856113, MONDO:0009341, OMIM 235730.

Submission:

Institute of Human Genetics, University of Leipzig Medical Center
Classification: Likely pathogenic for Mowat-Wilson syndrome. Last evaluated: 2020-10-26. Review status: criteria provided, single submitter. Criteria: ACMG Guidelines, 2015. Collection method: clinical testing. Allele origin: de novo. Affected: yes.
Comment: This variant was identified as de novo (maternity and paternity confirmed).